The following is an entry in ClinVar:

NM_006231.4(POLE):c.1026T>C (p.His342=)

Gene: POLE (DNA polymerase epsilon, catalytic subunit; minus strand). Cytogenetic location: 12q24.33.
Variant type: single nucleotide variant.
Coding change: c.1026T>C on transcript NM_006231.4 (MANE Select); coding-DNA position 1026, T replaced by C.
Protein change: p.His342=; no amino-acid change (histidine 342 retained).
Molecular consequence: synonymous variant.
Genome position (GRCh38, 1-based): chr12:132,675,815, A>G on the plus strand (T>C on the coding strand, the complement: POLE is on the minus strand). VCF-style: chr12-132675815-A-G. GRCh37 (hg19) VCF-style: chr12-133252401-A-G.
Other names: c.1026T>C (NM_006231.3).
Identifiers: ClinVar variation 822021 (VCV000822021.15), dbSNP rs1472394680, ClinGen allele CA482849788.

ClinVar aggregate classification (germline): Benign/Likely benign. Review status: criteria provided, multiple submitters, no conflicts (2 of 4 stars). 4 submissions from 4 submitters: Benign (1); Likely benign (3). Last evaluated 2025-11-20.

Conditions:
Familial colorectal cancer type X. Identifiers: Orphanet 440437, MedGen C3896578, MONDO:0018604.
Colorectal cancer, susceptibility to, 12 (CRCS12). Also called: COLORECTAL CANCER, SUSCEPTIBILITY TO, ON CHROMOSOME 12q24. Identifiers: Orphanet 220460, MedGen C3554460, MONDO:0014038, OMIM 615083.
Hereditary cancer-predisposing syndrome. Also called: Tumor predisposition; Hereditary Cancer Syndrome; Neoplastic Syndromes, Hereditary; Hereditary neoplastic syndrome. Identifiers: Orphanet 140162, MedGen C0027672, MeSH D009386, MONDO:0015356.

Allele frequency attached by ClinVar (database versions not stated): gnomAD 0.00001; gnomAD exomes 0.00001; TOPMed 0.00001.
gnomAD v4.1: 10 of 1,613,390 alleles (0.00062%); highest among the groups gnomAD compares: East Asian, 0.018%; no homozygotes.

Submissions (4):

Labcorp Genetics (formerly Invitae), Labcorp
Classification: Likely benign. Last evaluated: 2025-11-20. Review status: criteria provided, single submitter. Criteria: Invitae Variant Classification Sherloc (09022015). Collection method: clinical testing. Allele origin: germline.

Myriad Genetics, Inc.
Classification: Benign for Colorectal cancer, susceptibility to, 12. Last evaluated: 2025-02-10. Review status: criteria provided, single submitter. Criteria: Myriad Autosomal Dominant, Autosomal Recessive and X-Linked Classification Criteria (2023). Collection method: clinical testing. Allele origin: unknown.
Comment: This variant is considered benign. This variant is a silent/synonymous amino acid change and it is not expected to impact splicing.

Department of Pathology and Laboratory Medicine, Sinai Health System
Classification: Likely benign for Familial colorectal cancer type X. Last evaluated: 2021-12-16. Review status: criteria provided, single submitter. Criteria: ACMG Guidelines, 2015. Collection method: clinical testing. Allele origin: germline. Affected: yes.

Ambry Genetics
Classification: Likely benign for Hereditary cancer-predisposing syndrome. Last evaluated: 2015-10-23. Review status: criteria provided, single submitter. Criteria: Ambry Variant Classification Scheme 2023. Collection method: clinical testing. Allele origin: germline.